The following is an entry in ClinVar:

NM_004415.4(DSP):c.3427C>T (p.Gln1143Ter)

Gene: DSP (desmoplakin; plus strand). Cytogenetic location: 6p24.3.
Variant type: single nucleotide variant.
Coding change: c.3427C>T on transcript NM_004415.4 (MANE Select); coding-DNA position 3427, C replaced by T.
Protein change: p.Gln1143Ter; replaces glutamine 1143 with a stop codon.
Molecular consequence: nonsense.
Genome position (GRCh38, 1-based): chr6:7,579,617, C>T. VCF-style: chr6-7579617-C-T. GRCh37 (hg19) VCF-style: chr6-7579850-C-T.
Other names: c.3427C>T, p.Gln1143Ter (NM_001008844.3, NM_001319034.2); short protein forms Q1143*.
Identifiers: ClinVar variation 3505527 (VCV003505527.1).

ClinVar aggregate classification (germline): Pathogenic (1 of 4 stars; one submission).

Conditions:
Cardiovascular phenotype. Identifiers: MedGen CN230736.

Submission:

Ambry Genetics
Classification: Pathogenic for Cardiovascular phenotype. Last evaluated: 2024-11-25. Review status: criteria provided, single submitter. Criteria: Ambry Variant Classification Scheme 2023. Collection method: clinical testing. Allele origin: germline.
Comment: The p.Q1143* pathogenic mutation (also known as c.3427C>T), located in coding exon 23 of the DSP gene, results from a C to T substitution at nucleotide position 3427. This changes the amino acid from a glutamine to a stop codon within coding exon 23. This variant is considered to be rare based on population cohorts in the Genome Aggregation Database (gnomAD). This alteration is expected to result in loss of function by premature protein truncation or nonsense-mediated mRNA decay. As such, this alteration is interpreted as a disease-causing mutation.